The following is an entry in ClinVar:

ClinVar aggregate classification (germline): Likely benign (1 of 4 stars; one submission).

Allele frequency attached by ClinVar (database versions not stated): gnomAD 0.00001; TOPMed 0.00001.

Submission:

CeGaT Center for Human Genetics Tuebingen
Classification: Likely benign. Last evaluated: 2023-08-01. Review status: criteria provided, single submitter. Criteria: CeGaT Center For Human Genetics Tuebingen Variant Classification Criteria Version 2. Collection method: clinical testing. Allele origin: germline. Affected: yes. Observed: 1 variant allele.
Comment: PIK3R5: BP4, BP7

NM_001142633.3(PIK3R5):c.2259C>T (p.Ser753=)

Gene: PIK3R5 (phosphoinositide-3-kinase regulatory subunit 5; minus strand). Cytogenetic location: 17p13.1.
Variant type: single nucleotide variant.
Coding change: c.2259C>T on transcript NM_001142633.3 (MANE Select); coding-DNA position 2259, C replaced by T.
Protein change: p.Ser753=; no amino-acid change (serine 753 retained).
Molecular consequence: synonymous variant.
Genome position (GRCh38, 1-based): chr17:8,881,828, G>A on the plus strand (C>T on the coding strand, the complement: PIK3R5 is on the minus strand). VCF-style: chr17-8881828-G-A. GRCh37 (hg19) VCF-style: chr17-8785145-G-A.
Other names: c.1101C>T, p.Ser367= (NM_001251853.2, NM_001251855.2, NM_001388397.1 and 4 more transcripts); c.2256C>T, p.Ser752= (NM_001388396.1); c.1098C>T, p.Ser366= (NM_001388400.1); c.2259C>T, p.Ser753= (NM_014308.4).
Identifiers: ClinVar variation 2647460 (VCV002647460.24), dbSNP rs774180276, ClinGen allele CA8380289.
Genomic context (GRCh38, chr17:8,881,828, plus strand): 5'-ACACTGACCACCCCACTCACCCAGCTCCTCCTGCTTCCGGCAGGCCTTGTTGAGGTTCAC[G>A]GAGGTACAGACCTTCTCCAGGTTGCTCCAGCGACTTCGTCCACTGATGGCCCCCTGGAAA-3'
Protein context (NP_001136105.1, residues 743-763): RWSNLEKVCT[Ser753=]VNLNKACRKQ